The following is an entry in ClinVar:

NM_000350.3(ABCA4):c.4634+6A>G

Gene: ABCA4 (ATP binding cassette subfamily A member 4; minus strand). Cytogenetic location: 1p22.1.
Variant type: single nucleotide variant.
Coding change: c.4634+6A>G on transcript NM_000350.3 (MANE Select); 6 bases into the intron after coding-DNA position 4634, A replaced by G.
Molecular consequence: intron variant.
Genome position (GRCh38, 1-based): chr1:94,024,948, T>C on the plus strand (A>G on the coding strand, the complement: ABCA4 is on the minus strand). VCF-style: chr1-94024948-T-C. GRCh37 (hg19) VCF-style: chr1-94490504-T-C.
Identifiers: ClinVar variation 1024363 (VCV001024363.6), dbSNP rs1659996871, ClinGen allele CA1181411045.

ClinVar aggregate classification (germline): Uncertain significance (1 of 4 stars; one submission).

Submission:

Labcorp Genetics (formerly Invitae), Labcorp
Classification: Uncertain significance. Last evaluated: 2022-08-22. Review status: criteria provided, single submitter. Criteria: Invitae Variant Classification Sherloc (09022015). Collection method: clinical testing. Allele origin: germline.
Comment: This sequence change falls in intron 31 of the ABCA4 gene. It does not directly change the encoded amino acid sequence of the ABCA4 protein. It affects a nucleotide within the consensus splice site. In summary, the available evidence is currently insufficient to determine the role of this variant in disease. Therefore, it has been classified as a Variant of Uncertain Significance. Variants that disrupt the consensus splice site are a relatively common cause of aberrant splicing (PMID: 17576681, 9536098). Algorithms developed to predict the effect of sequence changes on RNA splicing suggest that this variant is not likely to affect RNA splicing. ClinVar contains an entry for this variant (Variation ID: 1024363). This variant has not been reported in the literature in individuals affected with ABCA4-related conditions. This variant is not present in population databases (gnomAD no frequency).

Literature cited by the submitters: PubMed 17576681; PubMed 9536098.